The following is an entry in ClinVar:

ClinVar aggregate classification (germline): Likely pathogenic (1 of 4 stars; one submission).

Conditions:
Cataract 18 (CATC2). Also called: CATARACT 18, AUTOSOMAL RECESSIVE. Identifiers: Orphanet 91492, Orphanet 98991, Orphanet 98992, Orphanet 98995, MedGen C1864908, MONDO:0012395, OMIM 610019.

Submission:

Labcorp Genetics (formerly Invitae), Labcorp
Classification: Likely pathogenic for Cataract 18. Last evaluated: 2024-06-10. Review status: criteria provided, single submitter. Criteria: Invitae Variant Classification Sherloc (09022015). Collection method: clinical testing. Allele origin: germline.
Comment: This sequence change affects a donor splice site in intron 10 of the FYCO1 gene. It is expected to disrupt RNA splicing. Variants that disrupt the donor or acceptor splice site typically lead to a loss of protein function (PMID: 16199547), and loss-of-function variants in FYCO1 are known to be pathogenic (PMID: 21636066). This variant is not present in population databases (gnomAD no frequency). This variant has not been reported in the literature in individuals affected with FYCO1-related conditions. Algorithms developed to predict the effect of sequence changes on RNA splicing suggest that this variant may disrupt the consensus splice site. In summary, the currently available evidence indicates that the variant is pathogenic, but additional data are needed to prove that conclusively. Therefore, this variant has been classified as Likely Pathogenic.

Literature cited by the submitters: PubMed 16199547; PubMed 21636066.

NM_024513.4(FYCO1):c.3269+1G>C

Gene: FYCO1 (FYVE and coiled-coil domain autophagy adaptor 1; minus strand). Cytogenetic location: 3p21.31.
Variant type: single nucleotide variant.
Coding change: c.3269+1G>C on transcript NM_024513.4 (MANE Select); the canonical splice donor site of the intron after coding-DNA position 3269, G replaced by C.
Molecular consequence: splice donor variant.
Genome position (GRCh38, 1-based): chr3:45,964,335, C>G on the plus strand (G>C on the coding strand, the complement: FYCO1 is on the minus strand). VCF-style: chr3-45964335-C-G. GRCh37 (hg19) VCF-style: chr3-46005827-C-G.
Other names: c.2669+1G>C (NM_001386430.1); c.3149+1G>C (NM_001386426.1); c.3125+1G>C (NM_001386427.1); c.3269+1G>C (NM_001386423.1, NM_001386429.1, NM_001386425.1 and 4 more transcripts).
Identifiers: ClinVar variation 3683796 (VCV003683796.2).